The following is an entry in ClinVar:

ClinVar aggregate classification (germline): Uncertain significance (1 of 4 stars; one submission).

Conditions:
Treacher Collins syndrome 1 (TCS1). Also called: TCOF1-Related Treacher Collins Syndrome. Identifiers: Orphanet 861, MedGen CN315775, MONDO:0007944, OMIM 154500.

gnomAD v4.1: 4 of 1,613,960 alleles (0.00025%); highest among the groups gnomAD compares: East Asian, 0.0067%; no homozygotes.

Submission:

Labcorp Genetics (formerly Invitae), Labcorp
Classification: Uncertain significance for Treacher Collins syndrome 1. Last evaluated: 2024-04-07. Review status: criteria provided, single submitter. Criteria: Invitae Variant Classification Sherloc (09022015). Collection method: clinical testing. Allele origin: germline.
Comment: This sequence change replaces serine, which is neutral and polar, with threonine, which is neutral and polar, at codon 1314 of the TCOF1 protein (p.Ser1314Thr). This variant is present in population databases (rs781291110, gnomAD 0.006%). This variant has not been reported in the literature in individuals affected with TCOF1-related conditions. An algorithm developed to predict the effect of missense changes on protein structure and function (PolyPhen-2) suggests that this variant is likely to be disruptive. In summary, the available evidence is currently insufficient to determine the role of this variant in disease. Therefore, it has been classified as a Variant of Uncertain Significance.

NM_001371623.1(TCOF1):c.3943T>A (p.Ser1315Thr)

Gene: TCOF1 (treacle ribosome biogenesis factor 1; plus strand). Cytogenetic location: 5q32.
Variant type: single nucleotide variant.
Coding change: c.3943T>A on transcript NM_001371623.1 (MANE Select); coding-DNA position 3943, T replaced by A.
Protein change: p.Ser1315Thr; replaces serine 1315 with threonine.
Molecular consequence: missense variant.
Genome position (GRCh38, 1-based): chr5:150,396,440, T>A. VCF-style: chr5-150396440-T-A. GRCh37 (hg19) VCF-style: chr5-149776003-T-A.
Other names: c.3709T>A, p.Ser1237Thr (NM_000356.4); c.3940T>A, p.Ser1314Thr (NM_001135243.2); c.3829T>A, p.Ser1277Thr (NM_001135244.2); c.3712T>A, p.Ser1238Thr (NM_001135245.2); c.3826T>A, p.Ser1276Thr (NM_001195141.2); short protein forms S1277T, S1238T, S1276T, S1314T, S1315T, S1237T.
Identifiers: ClinVar variation 3716795 (VCV003716795.2).